The following is an entry in ClinVar:

ClinVar aggregate classification (germline): Uncertain significance. Review status: criteria provided, multiple submitters, no conflicts (2 of 4 stars). 2 submissions from 2 submitters: Uncertain significance (2). Last evaluated 2021-08-28.

Conditions:
Glycine encephalopathy. Also called: Non-ketotic hyperglycinemia; Nonketotic hyperglycinemia. Identifiers: Orphanet 407, MedGen C0751748, MONDO:0011612, HP:0008288.

Allele frequency attached by ClinVar (database versions not stated): TOPMed 0.00001.

Submissions (2):

Labcorp Genetics (formerly Invitae), Labcorp
Classification: Uncertain significance for Glycine encephalopathy. Last evaluated: 2021-08-28. Review status: criteria provided, single submitter. Criteria: Invitae Variant Classification Sherloc (09022015). Collection method: clinical testing. Allele origin: germline.
Comment: This sequence change replaces glycine with arginine at codon 83 of the GLDC protein (p.Gly83Arg). The glycine residue is highly conserved and there is a moderate physicochemical difference between glycine and arginine. This variant is not present in population databases (ExAC no frequency). This variant has not been reported in the literature in individuals affected with GLDC-related conditions. Algorithms developed to predict the effect of missense changes on protein structure and function are either unavailable or do not agree on the potential impact of this missense change (SIFT: "Deleterious"; PolyPhen-2: "Probably Damaging"; Align-GVGD: "Class C15"). In summary, the available evidence is currently insufficient to determine the role of this variant in disease. Therefore, it has been classified as a Variant of Uncertain Significance.

GeneDx
Classification: Uncertain significance. Last evaluated: 2019-07-19. Review status: criteria provided, single submitter. Criteria: GeneDx Variant Classification Process June 2021. Collection method: clinical testing. Allele origin: germline. Affected: yes.
Comment: Not observed in large population cohorts (Lek et al., 2016); In silico analysis, which includes protein predictors and evolutionary conservation, supports a deleterious effect; Has not been previously published as pathogenic or benign to our knowledge; Missense variants in nearby residues reported at GeneDx in individuals with GLDC-related phenotypes

NM_000170.3(GLDC):c.247G>C (p.Gly83Arg)

Gene: GLDC (glycine decarboxylase; minus strand). Cytogenetic location: 9p24.1.
Variant type: single nucleotide variant.
Coding change: c.247G>C on transcript NM_000170.3 (MANE Select); coding-DNA position 247, G replaced by C.
Protein change: p.Gly83Arg; replaces glycine 83 with arginine.
Molecular consequence: missense variant.
Genome position (GRCh38, 1-based): chr9:6,645,253, C>G on the plus strand (G>C on the coding strand, the complement: GLDC is on the minus strand). VCF-style: chr9-6645253-C-G. GRCh37 (hg19) VCF-style: chr9-6645253-C-G.
Other names: short protein forms G83R.
Identifiers: ClinVar variation 1307103 (VCV001307103.3), dbSNP rs946962875, ClinGen allele CA188663007.